The following is an entry in ClinVar:

NM_000384.3(APOB):c.10427C>A (p.Ala3476Glu)

Gene: APOB (apolipoprotein B; minus strand). Cytogenetic location: 2p24.1.
Variant type: single nucleotide variant.
Coding change: c.10427C>A on transcript NM_000384.3 (MANE Select); coding-DNA position 10427, C replaced by A.
Protein change: p.Ala3476Glu; replaces alanine 3476 with glutamic acid.
Molecular consequence: missense variant.
Genome position (GRCh38, 1-based): chr2:21,006,441, G>T on the plus strand (C>A on the coding strand, the complement: APOB is on the minus strand). VCF-style: chr2-21006441-G-T. GRCh37 (hg19) VCF-style: chr2-21229313-G-T.
Other names: short protein forms A3476E.
Identifiers: ClinVar variation 1774432 (VCV001774432.2), dbSNP rs1027795248, ClinGen allele CA345986554.

ClinVar aggregate classification (germline): Uncertain significance (1 of 4 stars; one submission).

Conditions:
Cardiovascular phenotype. Identifiers: MedGen CN230736.

Allele frequency attached by ClinVar (database versions not stated): gnomAD exomes below 0.00001.

Submission:

Ambry Genetics
Classification: Uncertain significance for Cardiovascular phenotype. Last evaluated: 2022-03-22. Review status: criteria provided, single submitter. Criteria: Ambry Variant Classification Scheme 2023. Collection method: clinical testing. Allele origin: germline.
Comment: The p.A3476E variant (also known as c.10427C>A), located in coding exon 26 of the APOB gene, results from a C to A substitution at nucleotide position 10427. The alanine at codon 3476 is replaced by glutamic acid, an amino acid with dissimilar properties. This amino acid position is conserved. In addition, this alteration is predicted to be tolerated by in silico analysis. Since supporting evidence is limited at this time, the clinical significance of this alteration remains unclear.